The following is an entry in ClinVar:

ClinVar aggregate classification (germline): Uncertain significance (1 of 4 stars; one submission).

Submission:

Labcorp Genetics (formerly Invitae), Labcorp
Classification: Uncertain significance. Last evaluated: 2025-11-05. Review status: criteria provided, single submitter. Criteria: Invitae Variant Classification Sherloc (09022015). Collection method: clinical testing. Allele origin: germline.
Comment: This sequence change replaces aspartic acid, which is acidic and polar, with asparagine, which is neutral and polar, at codon 465 of the COL7A1 protein (p.Asp465Asn). This variant is not present in population databases (gnomAD no frequency). This variant has not been reported in the literature in individuals affected with COL7A1-related conditions. Invitae Evidence Modeling of protein sequence and biophysical properties (such as structural, functional, and spatial information, amino acid conservation, physicochemical variation, residue mobility, and thermodynamic stability) indicates that this missense variant is not expected to disrupt COL7A1 protein function with a negative predictive value of 95%. In summary, the available evidence is currently insufficient to determine the role of this variant in disease. Therefore, it has been classified as a Variant of Uncertain Significance.

NM_000094.4(COL7A1):c.1393G>A (p.Asp465Asn)

Gene: COL7A1 (collagen type VII alpha 1 chain; minus strand). Cytogenetic location: 3p21.31.
Variant type: single nucleotide variant.
Coding change: c.1393G>A on transcript NM_000094.4 (MANE Select); coding-DNA position 1393, G replaced by A.
Protein change: p.Asp465Asn; replaces aspartic acid 465 with asparagine.
Molecular consequence: missense variant.
Genome position (GRCh38, 1-based): chr3:48,591,787, C>T on the plus strand (G>A on the coding strand, the complement: COL7A1 is on the minus strand). VCF-style: chr3-48591787-C-T. GRCh37 (hg19) VCF-style: chr3-48629220-C-T.
Other names: short protein forms D465N.
Identifiers: ClinVar variation 4801672 (VCV004801672.1).